The following is an entry in ClinVar:

NM_016035.5(COQ4):c.371G>T (p.Gly124Val)

Gene: COQ4 (coenzyme Q4; plus strand). Cytogenetic location: 9q34.11.
Variant type: single nucleotide variant.
Coding change: c.371G>T on transcript NM_016035.5 (MANE Select); coding-DNA position 371, G replaced by T.
Protein change: p.Gly124Val; replaces glycine 124 with valine.
Molecular consequence: missense variant.
Genome position (GRCh38, 1-based): chr9:128,325,850, G>T. VCF-style: chr9-128325850-G-T. GRCh37 (hg19) VCF-style: chr9-131088129-G-T.
Other names: c.274G>T, p.Val92Phe (NM_001305942.2); short protein forms G124V, V92F.
Identifiers: ClinVar variation 638639 (VCV000638639.2), dbSNP rs1412692974, ClinGen allele CA375021497.

ClinVar aggregate classification (germline): Pathogenic (1 of 4 stars; one submission).

Conditions:
Neonatal encephalomyopathy-cardiomyopathy-respiratory distress syndrome. Also called: Coenzyme Q10 deficiency, primary, 7. Identifiers: Orphanet 457185, MedGen C5568562, MONDO:0014562, OMIM 616276.

Allele frequency attached by ClinVar (database versions not stated): gnomAD exomes below 0.00001.
gnomAD v4.1: 1 of 1,614,180 alleles (0.000062%); highest among the groups gnomAD compares: East Asian, 0.0022%; no homozygotes.

Submission:

Department of Paediatrics and Adolescent Medicine, The University of Hong Kong
Classification: Pathogenic for Neonatal encephalomyopathy-cardiomyopathy-respiratory distress syndrome. Last evaluated: 2019-05-01. Review status: criteria provided, single submitter. Criteria: ACMG Guidelines, 2015. Collection method: research. Allele origin: maternal. Inheritance: Autosomal recessive inheritance. Affected: yes.
Comment: This variant was not reported before, but pathogenicity can be supported by the p.Gly124Ser variant (same amino acid change).